The following is an entry in ClinVar:

NM_144573.4(NEXN):c.1753A>C (p.Lys585Gln)

Gene: NEXN (nexilin F-actin binding protein; plus strand). Cytogenetic location: 1p31.1.
Variant type: single nucleotide variant.
Coding change: c.1753A>C on transcript NM_144573.4 (MANE Select); coding-DNA position 1753, A replaced by C.
Protein change: p.Lys585Gln; replaces lysine 585 with glutamine.
Molecular consequence: missense variant.
Genome position (GRCh38, 1-based): chr1:77,942,554, A>C. VCF-style: chr1-77942554-A-C. GRCh37 (hg19) VCF-style: chr1-78408239-A-C.
Other names: c.1561A>C, p.Lys521Gln (NM_001172309.2); short protein forms K521Q, K585Q.
Identifiers: ClinVar variation 4860829 (VCV004860829.1).

ClinVar aggregate classification (germline): Uncertain significance (1 of 4 stars; one submission).

Conditions:
Cardiovascular phenotype. Identifiers: MedGen CN230736.

gnomAD v4.1: 1 of 1,613,950 alleles (0.000062%); highest among the groups gnomAD compares: Non-Finnish European, 0.000085%; no homozygotes.

Submission:

Ambry Genetics
Classification: Uncertain significance for Cardiovascular phenotype. Last evaluated: 2026-03-30. Review status: criteria provided, single submitter. Criteria: Ambry Variant Classification Scheme 2023. Collection method: clinical testing. Allele origin: germline.
Comment: The p.K585Q variant (also known as c.1753A>C), located in coding exon 12 of the NEXN gene, results from an A to C substitution at nucleotide position 1753. The lysine at codon 585 is replaced by glutamine, an amino acid with similar properties. This amino acid position is conserved. In addition, this alteration is predicted to be tolerated by in silico analysis. Based on the available evidence, the clinical significance of this variant remains unclear.